The following is an entry in ClinVar:

ClinVar aggregate classification (germline): Pathogenic/Likely pathogenic. Review status: criteria provided, multiple submitters, no conflicts (2 of 4 stars). 2 submissions from 2 submitters: Pathogenic (1); Likely pathogenic (1). Last evaluated 2022-06-02.

Conditions:
Classic homocystinuria. Also called: HOMOCYSTINURIA WITH OR WITHOUT RESPONSE TO PYRIDOXINE; Homocystinuria due to CBS deficiency; Cystathionine beta-synthase deficiency; CBS deficiency; Homocystinuria due to Cystathionine Beta-Synthase Deficiency. Identifiers: Orphanet 394, MedGen C0751202, MONDO:0009352, OMIM 236200.

Submissions (2):

Baylor Genetics
Classification: Likely pathogenic for Classic homocystinuria. Last evaluated: 2022-06-02. Review status: criteria provided, single submitter. Criteria: ACMG Guidelines, 2015. Collection method: clinical testing. Allele origin: unknown.

Juno Genomics, Hangzhou Juno Genomics, Inc
Classification: Pathogenic for Classic homocystinuria. Review status: criteria provided, single submitter. Criteria: ACMG Guidelines, 2015. Collection method: clinical testing. Allele origin: germline. Affected: yes.
Comment: Absent from controls (or at extremely low frequency if recessive) in Genome Aggregation Database.;Null variant in a gene where loss of function (LOF) is a known mechanism of disease.;Patient's phenotype or family history is highly specific for a disease with a single genetic etiology.

NM_000071.3(CBS):c.1040-2A>G

Gene: CBS (cystathionine beta-synthase; minus strand). Cytogenetic location: 21q22.3.
Variant type: single nucleotide variant.
Coding change: c.1040-2A>G on transcript NM_000071.3 (MANE Select); the canonical splice acceptor site of the intron before coding-DNA position 1040, A replaced by G.
Molecular consequence: splice acceptor variant.
Genome position (GRCh38, 1-based): chr21:43,060,548, T>C on the plus strand (A>G on the coding strand, the complement: CBS is on the minus strand). VCF-style: chr21-43060548-T-C. GRCh37 (hg19) VCF-style: chr21-44480658-T-C.
Other names: c.1040-2A>G (NM_001320298.2, NM_001178009.3, NM_001178008.3); c.725-2A>G (NM_001321072.1).
Identifiers: ClinVar variation 2680418 (VCV002680418.2), dbSNP rs2517413127, ClinGen allele CA410398297.